The following is an entry in ClinVar:

ClinVar aggregate classification (germline): Uncertain significance (1 of 4 stars; one submission).

Conditions:
EPHX1-related disorder. Also called: EPHX1-related condition.

gnomAD v4.1: 9 of 1,613,966 alleles (0.00056%); highest among the groups gnomAD compares: Admixed American, 0.012%; no homozygotes.

Submission:

PreventionGenetics, part of Exact Sciences
Classification: Uncertain significance for EPHX1-related condition. Last evaluated: 2026-08-17. Review status: criteria provided, single submitter. Criteria: ACMG Guidelines, 2015. Collection method: clinical testing. Allele origin: germline.
Comment: The EPHX1 c.593-1G>A variant is predicted to disrupt the AG splice acceptor site and interfere with normal splicing. To our knowledge, this variant has not been reported in the literature. This variant is reported in 0.020% of alleles in individuals of Latino descent in gnomAD. At this time, the clinical significance of this variant is uncertain due to the absence of conclusive functional and genetic evidence.

NM_001136018.4(EPHX1):c.593-1G>A

Gene: EPHX1 (epoxide hydrolase 1; plus strand). Cytogenetic location: 1q42.12.
Variant type: single nucleotide variant.
Coding change: c.593-1G>A on transcript NM_001136018.4 (MANE Select); the canonical splice acceptor site of the intron before coding-DNA position 593, G replaced by A.
Molecular consequence: splice acceptor variant. On other transcripts: intron variant (1).
Genome position (GRCh38, 1-based): chr1:225,839,216, G>A. VCF-style: chr1-225839216-G-A. GRCh37 (hg19) VCF-style: chr1-226026917-G-A.
Other names: c.593-1G>A (NM_001291163.2, NM_001378426.1, NM_001378429.1 and 3 more transcripts); c.365-1G>A (NM_001378431.1); c.365-3150G>A (NM_001378432.1); c.566-1G>A (NM_001378428.1).
Identifiers: ClinVar variation 4988401 (VCV004988401.1).